The following is an entry in ClinVar:

NM_001099857.5(IKBKG):c.191C>A (p.Ala64Asp)

Gene: IKBKG (inhibitor of nuclear factor kappa B kinase regulatory subunit gamma; plus strand). Cytogenetic location: Xq28.
Variant type: single nucleotide variant.
Coding change: c.191C>A on transcript NM_001099857.5 (MANE Select); coding-DNA position 191, C replaced by A.
Protein change: p.Ala64Asp; replaces alanine 64 with aspartic acid.
Molecular consequence: missense variant. On other transcripts: non-coding transcript variant (1).
Genome position (GRCh38, 1-based): chrX:154,556,168, C>A. VCF-style: chrX-154556168-C-A. GRCh37 (hg19) VCF-style: chrX-153784383-C-A.
Other names: c.395C>A, p.Ala132Asp (NM_001099856.6); c.191C>A, p.Ala64Asp (NM_001145255.4, NM_001321396.3, NM_001321397.3 and 5 more transcripts); short protein forms A132D, A64D.
Identifiers: ClinVar variation 3368662 (VCV003368662.1).
Genomic context (GRCh38, chrX:154,556,168, plus strand): 5'-GCAGGGCCCGGCAGGCCGGGCTGCCCAGCTCCCCTCCACTGTCCCCTCTGCCACCAGATG[C>A]CATCCGGCAGAGCAACCAGATTCTGCGGGAGCGCTGCGAGGAGCTTCTGCATTTCCAAGC-3'
Protein context (NP_001093327.1, residues 54-74): CLEENQELRD[Ala64Asp]IRQSNQILRE

ClinVar aggregate classification (germline): Uncertain significance (1 of 4 stars; one submission).

Submission:

GeneDx
Classification: Uncertain significance. Last evaluated: 2024-01-31. Review status: criteria provided, single submitter. Criteria: GeneDx Variant Classification Process June 2021. Collection method: clinical testing. Allele origin: germline. Affected: yes.
Comment: Not observed at significant frequency in large population cohorts (gnomAD); In silico analysis supports that this missense variant has a deleterious effect on protein structure/function; Has not been previously published as pathogenic or benign to our knowledge